The following is an entry in ClinVar:

ClinVar aggregate classification (germline): Benign/Likely benign. Review status: criteria provided, multiple submitters, no conflicts (2 of 4 stars). 2 submissions from 2 submitters: Benign (1); Likely benign (1). Last evaluated 2024-10-22.

Conditions:
Birt-Hogg-Dube syndrome 1 (BHD1). Also called: FIBROFOLLICULOMAS WITH TRICHODISCOMAS AND ACROCHORDONS. Identifiers: Orphanet 122, MedGen CN375946, MONDO:0800445, OMIM 135150.
Birt-Hogg-Dube syndrome. Also called: Birt Hogg Dubé syndrome. Identifiers: Orphanet 122, MedGen C0346010, MONDO:0800444.

Submissions (2):

Myriad Genetics, Inc.
Classification: Benign for Birt-Hogg-Dube syndrome 1. Last evaluated: 2024-10-22. Review status: criteria provided, single submitter. Criteria: Myriad Autosomal Dominant, Autosomal Recessive and X-Linked Classification Criteria (2023). Collection method: clinical testing. Allele origin: unknown.
Comment: This variant is considered benign. This variant is a silent/synonymous amino acid change and it is not expected to impact splicing.

Labcorp Genetics (formerly Invitae), Labcorp
Classification: Likely benign for Birt-Hogg-Dube syndrome. Last evaluated: 2024-04-08. Review status: criteria provided, single submitter. Criteria: Invitae Variant Classification Sherloc (09022015). Collection method: clinical testing. Allele origin: germline.

NM_144997.7(FLCN):c.468C>T (p.Phe156=)

Gene: FLCN (folliculin; minus strand). Cytogenetic location: 17p11.2.
Variant type: single nucleotide variant.
Coding change: c.468C>T on transcript NM_144997.7 (MANE Select); coding-DNA position 468, C replaced by T.
Protein change: p.Phe156=; no amino-acid change (phenylalanine 156 retained).
Molecular consequence: synonymous variant.
Genome position (GRCh38, 1-based): chr17:17,224,072, G>A on the plus strand (C>T on the coding strand, the complement: FLCN is on the minus strand). VCF-style: chr17-17224072-G-A. GRCh37 (hg19) VCF-style: chr17-17127386-G-A.
Other names: c.522C>T, p.Phe174= (NM_001353229.2); c.468C>T, p.Phe156= (NM_001353230.2, NM_001353231.2, NM_144606.7).
Identifiers: ClinVar variation 3690282 (VCV003690282.3).
Genomic context (GRCh38, chr17:17,224,072, plus strand): 5'-CATGATGGTGATGATGCTGTACCAGCGCTGGAAGCCCCTGGCCAGGCTGTCCTTGATGAA[G>A]AAGGTGTGGCTGAACACAAAGCCGTGCTGCTCATCTCCGAAGAAGATGGGGCCTTCACGG-3'
Protein context (NP_659434.2, residues 146-166): EQHGFVFSHT[Phe156=]FIKDSLARGF